The following is an entry in ClinVar:

NM_080425.4(GNAS):c.1112G>A (p.Gly371Glu)

Gene: GNAS (GNAS complex locus; plus strand). Cytogenetic location: 20q13.32.
Variant type: single nucleotide variant.
Coding change: c.1112G>A on transcript NM_080425.4 (MANE Plus Clinical); coding-DNA position 1112, G replaced by A.
Protein change: p.Gly371Glu; replaces glycine 371 with glutamic acid.
Molecular consequence: missense variant. On other transcripts: intron variant (3).
Genome position (GRCh38, 1-based): chr20:58,854,377, G>A. VCF-style: chr20-58854377-G-A. GRCh37 (hg19) VCF-style: chr20-57429432-G-A.
Other names: c.925G>A, p.Glu309Lys (NM_001309883.1, NM_001077490.3); c.1112G>A, p.Gly371Glu (NM_001410913.1); c.*42+13491G>A (NM_016592.5); c.43+13491G>A (NM_001410912.1); c.-39+12502G>A (NM_001309861.2); short protein forms E309K, G371E.
Identifiers: ClinVar variation 3358194 (VCV003358194.2).
Genomic context (GRCh38, chr20:58,854,377, plus strand): 5'-GACCCCCAGTTGAGGAGGAAGCAGCAGAGATGGAAGGAGCCGCTGATGCCGCGGAGGGAG[G>A]AAAAGTACCCTCTCCGGGGTACGGATCCCCTGCCGCCGGGGCAGCCTCAGCGGATACCGC-3'
Protein context (NP_536350.2, residues 361-381): MEGAADAAEG[Gly371Glu]KVPSPGYGSP

ClinVar aggregate classification (germline): Uncertain significance (1 of 4 stars; one submission).

Conditions:
GNAS-related disorder. Identifiers: MedGen CN380105.

gnomAD v4.1: 45 of 1,570,962 alleles (0.0029%); highest among the groups gnomAD compares: Admixed American, 0.0056%; no homozygotes.

Submission:

PreventionGenetics, part of Exact Sciences
Classification: Uncertain significance for GNAS-related condition. Last evaluated: 2025-06-16. Review status: criteria provided, single submitter. Criteria: ACMG Guidelines, 2015. Collection method: clinical testing. Allele origin: germline.
Comment: The GNAS c.1112G>A variant is predicted to result in the amino acid substitution p.Gly371Glu. To our knowledge, this variant has not been reported in the literature. This variant is reported in 0.0068% of alleles in individuals of European (non-Finnish) descent in gnomAD. At this time, the clinical significance of this variant is uncertain due to the absence of conclusive functional and genetic evidence.